The following is an entry in ClinVar:

ClinVar aggregate classification (germline): Conflicting classifications of pathogenicity. Review status: criteria provided, conflicting classifications (1 of 4 stars). 5 submissions from 5 submitters: Likely pathogenic (4); Uncertain significance (1). Last evaluated 2026-03-05.

Conditions:
Finnish congenital nephrotic syndrome (NPHS1). Also called: NEPHROTIC SYNDROME, TYPE 1. Identifiers: Orphanet 839, MedGen C0403399, MONDO:0009732, OMIM 256300.

Allele frequency attached by ClinVar (database versions not stated): gnomAD exomes 0.00001; ExAC 0.00001.
gnomAD v4.1: 1 of 1,613,628 alleles (0.000062%); highest among the groups gnomAD compares: Admixed American, 0.0017%; no homozygotes.

Submissions (5):

Broad Center for Mendelian Genomics, Broad Institute of MIT and Harvard
Classification: Likely pathogenic for Finnish congenital nephrotic syndrome. Last evaluated: 2026-03-05. Review status: criteria provided, single submitter. Criteria: ACMG Guidelines, 2015. Collection method: research. Allele origin: germline. Inheritance: Autosomal recessive inheritance. Study: GREGoR Consortium.
Comment: The c.3287-2A>C variant in NPHS1 was identified through WGS in compound heterozygosity with a pathogenic variant in an individual with adult-onset focal segmental glomerulosclerosis by the Broad Institute Rare Genomes Project. It has also been identified in 0.001% (1/43740) of Admixed American chromosomes by gnomAD and has been reported in ClinVar (Variation ID 1507099). This variant occurs within the canonical splice site (+/- 1,2) and is predicted to cause altered splicing. A computational tool, SpliceAI, predicts the use of a cryptic acceptor splice site resulting in an in-frame deletion of 9 amino acids. While the impact of the in-frame deletion is unclear, these results are not predictive enough to rule out other potential splice outcomes (such as exon skipping resulting in loss of function). In summary, while there is suspicion for a pathogenic role, the clinical impact of this variant is uncertain. ACMG/AMP Criteria applied: PVSl_Moderate, PM3, PM2_Supporting.

Fulgent Genetics
Classification: Likely pathogenic for Finnish congenital nephrotic syndrome. Last evaluated: 2024-06-25. Review status: criteria provided, single submitter. Criteria: ACMG Guidelines, 2015. Collection method: clinical testing. Allele origin: germline.

Laboratory for Molecular Medicine, Mass General Brigham Personalized Medicine
Classification: Uncertain significance. Last evaluated: 2024-02-16. Review status: criteria provided, single submitter. Criteria: ACMG Guidelines, 2015. Collection method: clinical testing. Allele origin: germline.
Comment: The c.3287-2A>C variant in NPHS1 was identified through WGS in compound heterozygosity with a pathogenic variant in an individual with adult-onset focal segmental glomerulosclerosis by the Broad Institute Rare Genomes Project. It has also been identified in 0.001% (1/43740) of Admixed American chromosomes by gnomAD and has been reported in ClinVar (Variation ID 1507099). This variant occurs within the canonical splice site (+/- 1,2) and is predicted to cause altered splicing. A computational tool, SpliceAI, predicts the use of a cryptic acceptor splice site resulting in an in-frame deletion of 9 amino acids. While the impact of the in-frame deletion is unclear, these results are not predictive enough to rule out other potential splice outcomes (such as exon skipping resulting in loss of function). In summary, while there is suspicion for a pathogenic role, the clinical significance of this variant is uncertain. ACMG/AMP Criteria applied: PVS1_Moderate, PM3, PM2_Supporting.

Labcorp Genetics (formerly Invitae), Labcorp
Classification: Likely pathogenic. Last evaluated: 2023-11-05. Review status: criteria provided, single submitter. Criteria: Invitae Variant Classification Sherloc (09022015). Collection method: clinical testing. Allele origin: germline.
Comment: This sequence change affects an acceptor splice site in intron 24 of the NPHS1 gene. It is expected to disrupt RNA splicing. Variants that disrupt the donor or acceptor splice site typically lead to a loss of protein function (PMID: 16199547), and loss-of-function variants in NPHS1 are known to be pathogenic (PMID: 11317351, 11854170, 12039988). This variant is present in population databases (rs758432802, gnomAD 0.006%). This variant has not been reported in the literature in individuals affected with NPHS1-related conditions. ClinVar contains an entry for this variant (Variation ID: 1507099). Algorithms developed to predict the effect of sequence changes on RNA splicing suggest that this variant may disrupt the consensus splice site. In summary, the currently available evidence indicates that the variant is pathogenic, but additional data are needed to prove that conclusively. Therefore, this variant has been classified as Likely Pathogenic.

Baylor Genetics
Classification: Likely pathogenic for Finnish congenital nephrotic syndrome. Last evaluated: 2023-11-03. Review status: criteria provided, single submitter. Criteria: ACMG Guidelines, 2015. Collection method: clinical testing. Allele origin: unknown.

Literature cited by the submitters: PubMed 16199547 (cited by Labcorp Genetics (formerly Invitae), Labcorp); PubMed 11317351 (cited by Labcorp Genetics (formerly Invitae), Labcorp); PubMed 11854170 (cited by Labcorp Genetics (formerly Invitae), Labcorp); PubMed 12039988 (cited by Labcorp Genetics (formerly Invitae), Labcorp).

NM_004646.4(NPHS1):c.3287-2A>C

Gene: NPHS1 (NPHS1 adhesion molecule, nephrin; minus strand). Cytogenetic location: 19q13.12.
Variant type: single nucleotide variant.
Coding change: c.3287-2A>C on transcript NM_004646.4 (MANE Select); the canonical splice acceptor site of the intron before coding-DNA position 3287, A replaced by C.
Molecular consequence: splice acceptor variant.
Genome position (GRCh38, 1-based): chr19:35,831,502, T>G on the plus strand (A>C on the coding strand, the complement: NPHS1 is on the minus strand). VCF-style: chr19-35831502-T-G. GRCh37 (hg19) VCF-style: chr19-36322404-T-G.
Identifiers: ClinVar variation 1507099 (VCV001507099.12), dbSNP rs758432802, ClinGen allele CA9389830.